The following is an entry in ClinVar:

ClinVar aggregate classification (germline): Uncertain significance. Review status: criteria provided, multiple submitters, no conflicts (2 of 4 stars). 2 submissions from 2 submitters: Uncertain significance (2). Last evaluated 2024-11-28.

Conditions:
Inborn genetic diseases. Identifiers: MedGen C0950123, MeSH D030342.

Allele frequency attached by ClinVar (database versions not stated): gnomAD 0.00002; TOPMed 0.00002.
gnomAD v4.1: 5 of 1,417,210 alleles (0.00035%); highest among the groups gnomAD compares: African/African-American, 0.006%; no homozygotes.

Submissions (2):

Ambry Genetics
Classification: Uncertain significance for Inborn genetic diseases. Last evaluated: 2024-11-28. Review status: criteria provided, single submitter. Criteria: Ambry Variant Classification Scheme 2023. Collection method: clinical testing. Allele origin: germline.
Comment: The p.A12V variant (also known as c.35C>T), located in coding exon 1 of the KDM1A gene, results from a C to T substitution at nucleotide position 35. The alanine at codon 12 is replaced by valine, an amino acid with similar properties. This amino acid position is conserved. In addition, this alteration is predicted to be tolerated by in silico analysis. Based on the available evidence, the clinical significance of this variant remains unclear.

Labcorp Genetics (formerly Invitae), Labcorp
Classification: Uncertain significance. Last evaluated: 2024-01-10. Review status: criteria provided, single submitter. Criteria: Invitae Variant Classification Sherloc (09022015). Collection method: clinical testing. Allele origin: germline.
Comment: This sequence change replaces alanine, which is neutral and non-polar, with valine, which is neutral and non-polar, at codon 12 of the KDM1A protein (p.Ala12Val). The frequency data for this variant in the population databases is considered unreliable, as metrics indicate poor data quality at this position in the gnomAD database. This variant has not been reported in the literature in individuals affected with KDM1A-related conditions. An algorithm developed to predict the effect of missense changes on protein structure and function (PolyPhen-2) suggests that this variant is likely to be tolerated. In summary, the available evidence is currently insufficient to determine the role of this variant in disease. Therefore, it has been classified as a Variant of Uncertain Significance.

NM_001009999.3(KDM1A):c.35C>T (p.Ala12Val)

Gene: KDM1A (lysine demethylase 1A; plus strand). Cytogenetic location: 1p36.12.
Variant type: single nucleotide variant.
Coding change: c.35C>T on transcript NM_001009999.3 (MANE Select); coding-DNA position 35, C replaced by T.
Protein change: p.Ala12Val; replaces alanine 12 with valine.
Molecular consequence: missense variant.
Genome position (GRCh38, 1-based): chr1:23,019,631, C>T. VCF-style: chr1-23019631-C-T. GRCh37 (hg19) VCF-style: chr1-23346124-C-T.
Other names: c.35C>T (NM_001009999.2); c.35C>T, p.Ala12Val (NM_001363654.2, NM_001410762.1, NM_001410763.1 and 1 more transcripts); short protein forms A12V.
Identifiers: ClinVar variation 2797503 (VCV002797503.4), dbSNP rs755576939, ClinGen allele CA338949928.